The following is an entry in ClinVar:

NM_000277.3(PAH):c.362T>C (p.Phe121Ser)

Gene: PAH (phenylalanine hydroxylase; minus strand). Cytogenetic location: 12q23.2.
Variant type: single nucleotide variant.
Coding change: c.362T>C on transcript NM_000277.3 (MANE Select); coding-DNA position 362, T replaced by C.
Protein change: p.Phe121Ser; replaces phenylalanine 121 with serine.
Molecular consequence: missense variant.
Genome position (GRCh38, 1-based): chr12:102,877,541, A>G on the plus strand (T>C on the coding strand, the complement: PAH is on the minus strand). VCF-style: chr12-102877541-A-G. GRCh37 (hg19) VCF-style: chr12-103271319-A-G.
Other names: c.362T>C, p.Phe121Ser (NM_001354304.2); short protein forms F121S.
Identifiers: ClinVar variation 619155 (VCV000619155.2), dbSNP rs1565859485, ClinGen allele CA16020779.

ClinVar aggregate classification (germline): Uncertain significance (3 of 4 stars; one submission).

Conditions:
Phenylketonuria (PKU). Also called: OLIGOPHRENIA PHENYLPYRUVICA; Phenylketonurias; FOLLING DISEASE; Phenylketonuria (PKU). Identifiers: Orphanet 716, MedGen C0031485, MONDO:0009861, OMIM 261600. Disease mechanism: loss of function.

Submission:

ClinGen PAH Variant Curation Expert Panel
Classification: Uncertain significance for Phenylketonuria. Last evaluated: 2018-12-10. Review status: reviewed by expert panel. Criteria: ClinGen PAH ACMG Specifications v1. Collection method: curation. Allele origin: germline. Inheritance: Autosomal recessive inheritance.
Comment: A BH4 metabolism defect was excluded. (PMID: 26701937) This variant is absent from ExAC, gnomAD, 1000G, and ESP. It is predicted deleterious in SIFT, Polyphen2, MutationTaster, and REVEL=0.977. In summary, this variant meets criteria to be classified as uncertain significance for PAH. PAH-specific ACMG/AMP criteria applied: PP4_Moderate, PM2, PP3.

Literature cited by the submitters: PubMed 26701937.